The following is an entry in ClinVar:

NM_000080.4(CHRNE):c.1027C>A (p.Arg343Ser)

Gene: CHRNE (cholinergic receptor nicotinic epsilon subunit; minus strand). Cytogenetic location: 17p13.2.
Variant type: single nucleotide variant.
Coding change: c.1027C>A on transcript NM_000080.4 (MANE Select); coding-DNA position 1027, C replaced by A.
Protein change: p.Arg343Ser; replaces arginine 343 with serine.
Molecular consequence: missense variant.
Genome position (GRCh38, 1-based): chr17:4,899,473, G>T on the plus strand (C>A on the coding strand, the complement: CHRNE is on the minus strand). VCF-style: chr17-4899473-G-T. GRCh37 (hg19) VCF-style: chr17-4802768-G-T.
Other names: short protein forms R343S.
Identifiers: ClinVar variation 2902713 (VCV002902713.3), dbSNP rs1422523453, ClinGen allele CA397300785.

ClinVar aggregate classification (germline): Uncertain significance (1 of 4 stars; one submission).

Conditions:
Congenital myasthenic syndrome 4A. Also called: CONGENITAL MYASTHENIC SYNDROME TYPE Ia1; MYASTHENIC SYNDROME, CONGENITAL, 4A, SLOW-CHANNEL, AUTOSOMAL RECESSIVE; Myasthenic syndrome, congenital, 4a, slow-channel. Identifiers: Orphanet 590, MedGen C4225413, MONDO:0011600, OMIM 605809.

gnomAD v4.1: 3 of 1,591,182 alleles (0.00019%); highest among the groups gnomAD compares: Non-Finnish European, 0.000085%; no homozygotes.

Submission:

Labcorp Genetics (formerly Invitae), Labcorp
Classification: Uncertain significance for Congenital myasthenic syndrome 4A. Last evaluated: 2023-02-16. Review status: criteria provided, single submitter. Criteria: Invitae Variant Classification Sherloc (09022015). Collection method: clinical testing. Allele origin: germline.
Comment: In summary, the available evidence is currently insufficient to determine the role of this variant in disease. Therefore, it has been classified as a Variant of Uncertain Significance. Advanced modeling of protein sequence and biophysical properties (such as structural, functional, and spatial information, amino acid conservation, physicochemical variation, residue mobility, and thermodynamic stability) has been performed at Invitae for this missense variant, however the output from this modeling did not meet the statistical confidence thresholds required to predict the impact of this variant on CHRNE protein function. This sequence change replaces arginine, which is basic and polar, with serine, which is neutral and polar, at codon 343 of the CHRNE protein (p.Arg343Ser). This variant is not present in population databases (gnomAD no frequency). This variant has not been reported in the literature in individuals affected with CHRNE-related conditions.